The following is an entry in ClinVar:

NM_025216.3(WNT10A):c.985dup (p.Arg329fs)

Gene: WNT10A (Wnt family member 10A; plus strand). Cytogenetic location: 2q35.
Variant type: Duplication.
Coding change: c.985dup on transcript NM_025216.3 (MANE Select); coding-DNA position 985, one base duplicated (C; older notation c.985dupC).
Protein change: p.Arg329fs; shifts the reading frame from arginine 329.
Molecular consequence: frameshift variant.
Genome position (GRCh38, 1-based): chr2:218,893,002, C duplicated; the last of 2 consecutive C bases (chr2:218,893,001-218,893,002); duplicating either gives the same sequence. VCF-style (leftmost placement, unchanged base first): chr2-218893000-G-GC. GRCh37 (hg19) VCF-style: chr2-219757722-G-GC.
Other names: short protein forms R329fs.
Identifiers: ClinVar variation 280404 (VCV000280404.2), dbSNP rs886041618, ClinGen allele CA10602827.
Genomic context (GRCh38, chr2:218,893,000, plus strand): 5'-GCCAGCTGGAGCCGGGCCCAGCGGGGGCACCCTCGCCGGCTCCGGGCGCTCCCGGGCCGC[G>GC]CCGACGGGCCAGCCCCGCCGACCTGGTCTACTTCGAAAAGTCTCCCGACTTCTGCGAGCG-3'

ClinVar aggregate classification (germline): Pathogenic (1 of 4 stars; one submission).

Submission:

GeneDx
Classification: Pathogenic. Last evaluated: 2016-03-07. Review status: criteria provided, single submitter. Criteria: GeneDx Variant Classification (06012015). Collection method: clinical testing. Allele origin: germline. Affected: yes.
Comment: The c.985dupC pathogenic variant in the WNT10A gene has not been reported previously as a pathogenic variant nor as a benign variant, to our knowledge. This variant causes a frameshift starting with codon Arginine 329, changes this amino acid to a Proline residue, and creates a premature Stop codon at position 99 of the new reading frame, denoted p.Arg329ProfxX99. This variant is predicted to replace the last 89 amino acids of the protein with 98 incorrect amino acids. The c.985dupC variant was not observed in approximately 4000 individuals of European and African American ancestry in the NHLBI Exome Sequencing Project, indicating it is not a common benign variant in these populations. We interpret c.985dupC as a pathogenic variant.